The following is an entry in ClinVar:

NM_080680.3(COL11A2):c.30C>G (p.Leu10=)

Gene: COL11A2 (collagen type XI alpha 2 chain; minus strand). Cytogenetic location: 6p21.32.
Variant type: single nucleotide variant.
Coding change: c.30C>G on transcript NM_080680.3 (MANE Select); coding-DNA position 30, C replaced by G.
Protein change: p.Leu10=; no amino-acid change (leucine 10 retained).
Molecular consequence: synonymous variant. On other transcripts: intron variant (1).
Genome position (GRCh38, 1-based): chr6:33,192,211, G>C on the plus strand (C>G on the coding strand, the complement: COL11A2 is on the minus strand). VCF-style: chr6-33192211-G-C. GRCh37 (hg19) VCF-style: chr6-33159988-G-C.
Other names: c.30C>G, p.Leu10= (NM_001163771.2, NM_001424108.1, NM_080679.3 and 1 more transcripts); c.-765+814C>G (NM_001424111.1); c.30C>G (NM_080680.2).
Identifiers: ClinVar variation 2919752 (VCV002919752.5), dbSNP rs1351061215, ClinGen allele CA449853481.
Genomic context (GRCh38, chr6:33,192,211, plus strand): 5'-CCTCTTACCTGCCCAGCCTGGGGCCGCGCTCAGCCCCAGCACCAGAGGTAGGAGGAGGAG[G>C]AGGCGATGGCAGCGGCTGCACCGCTCCATGGCTGAGAAGCCGAAACGCCGGGTCCCAGGG-3'
Protein context (NP_542411.2, residues 1-20): MERCSRCHR[Leu10=]LLLLPLVLGL

ClinVar aggregate classification (germline): Likely benign. Review status: criteria provided, single submitter (1 of 4 stars). 2 submissions from 2 submitters: Likely benign (1). 1 of the submissions does not count toward it. Last evaluated 2023-11-13.

Conditions:
COL11A2-related disorder. Also called: COL11A2-related condition; COL11A2-related disorders.

Allele frequency attached by ClinVar (database versions not stated): gnomAD 0.00001; TOPMed 0.00001.
gnomAD v4.1: 45 of 1,566,164 alleles (0.0029%); highest among the groups gnomAD compares: Non-Finnish European, 0.0038%; no homozygotes.

Submissions (2):

Labcorp Genetics (formerly Invitae), Labcorp
Classification: Likely benign. Last evaluated: 2023-11-13. Review status: criteria provided, single submitter. Criteria: Invitae Variant Classification Sherloc (09022015). Collection method: clinical testing. Allele origin: germline.

PreventionGenetics, part of Exact Sciences
Classification: Likely benign for COL11A2-related condition. Last evaluated: 2019-07-15. Review status: no assertion criteria provided. Collection method: clinical testing. Allele origin: germline. Not counted in ClinVar's aggregate classification.
Comment: This variant is classified as likely benign based on ACMG/AMP sequence variant interpretation guidelines (Richards et al. 2015 PMID: 25741868, with internal and published modifications).